The following is an entry in ClinVar:

ClinVar aggregate classification (germline): Uncertain significance (1 of 4 stars; one submission).

Conditions:
O'Donnell-Luria-Rodan syndrome (ODLURO). Also called: KMT2E-Related Neurodevelopmental Disorder. Identifiers: MedGen C5193138, MONDO:0032793, OMIM 618512.

Submission:

Neuberg Centre For Genomic Medicine, NCGM
Classification: Uncertain significance for O'Donnell-Luria-Rodan syndrome. Review status: criteria provided, single submitter. Criteria: ACMG Guidelines, 2015. Collection method: clinical testing. Allele origin: germline. Inheritance: Autosomal dominant inheritance. Affected: yes.
Comment: The observed inframe deletion c.4897_4902del (p.Pro1633_Pro1634del) variant in KMT2E gene has not been reported previously as a pathogenic variant nor as a benign variant, to our knowledge. The p.Pro1633_Pro1634del variant is absent in gnomAD Exomes. This variant has not been submitted to the ClinVar database. This p.Pro1633_Pro1634del causes deletion of amino acid Proline at position 1633 to Proline at position 1634. For these reasons, this variant has been classified as Variant of Uncertain Significance (VUS).

NM_182931.3(KMT2E):c.4897_4902del (p.Pro1633_Pro1634del)

Gene: KMT2E (lysine methyltransferase 2E (inactive); plus strand). Cytogenetic location: 7q22.3.
Variant type: Deletion.
Coding change: c.4897_4902del on transcript NM_182931.3 (MANE Select); coding-DNA positions 4897 to 4902, 6 bases deleted (CCACCT; older notation c.4897_4902delCCACCT).
Protein change: p.Pro1633_Pro1634del.
Molecular consequence: inframe deletion.
Genome position (GRCh38, 1-based): chr7:105,112,653-105,112,658, CCACCT deleted. VCF-style (leftmost placement, unchanged base first): chr7-105112652-ACCACCT-A. GRCh37 (hg19) VCF-style: chr7-104753099-ACCACCT-A.
Other names: c.4771_4776del, p.Pro1591_Pro1592del (NM_001410908.1); c.4897_4902del, p.Pro1633_Pro1634del (NM_018682.4).
Identifiers: ClinVar variation 3603276 (VCV003603276.1).
Genomic context (GRCh38, chr7:105,112,652, plus strand): 5'-TCAGAACCCTACCATTCACCATCAAACTGCTGCTGCCGTAGTCCCCCCTCCTCCTCCACC[ACCACCT>A]GCTCCAGGACCGCACCTTGTACAACAGCCGAATTCCCATCAGCAACACTCTGTAGCACAT-3'